The following is an entry in ClinVar:

NM_000135.4(FANCA):c.1144C>G (p.Gln382Glu)

Gene: FANCA (FA complementation group A; minus strand). Cytogenetic location: 16q24.3.
Variant type: single nucleotide variant.
Coding change: c.1144C>G on transcript NM_000135.4 (MANE Select); coding-DNA position 1144, C replaced by G.
Protein change: p.Gln382Glu; replaces glutamine 382 with glutamic acid.
Molecular consequence: missense variant.
Genome position (GRCh38, 1-based): chr16:89,792,008, G>C on the plus strand (C>G on the coding strand, the complement: FANCA is on the minus strand). VCF-style: chr16-89792008-G-C. GRCh37 (hg19) VCF-style: chr16-89858416-G-C.
Other names: c.1144C>G, p.Gln382Glu (NM_001286167.3); short protein forms Q382E.
Identifiers: ClinVar variation 1483781 (VCV001483781.5), dbSNP rs769718381, ClinGen allele CA397466210.

ClinVar aggregate classification (germline): Uncertain significance (1 of 4 stars; one submission).

Conditions:
Fanconi anemia (FA). Also called: Fanconi's anemia. Identifiers: Orphanet 84, MedGen C0015625, MeSH D005199, MONDO:0019391.

Submission:

Labcorp Genetics (formerly Invitae), Labcorp
Classification: Uncertain significance for Fanconi anemia. Last evaluated: 2021-08-31. Review status: criteria provided, single submitter. Criteria: Invitae Variant Classification Sherloc (09022015). Collection method: clinical testing. Allele origin: germline.
Comment: This sequence change replaces glutamine with glutamic acid at codon 382 of the FANCA protein (p.Gln382Glu). The glutamine residue is weakly conserved and there is a small physicochemical difference between glutamine and glutamic acid. This variant is not present in population databases (ExAC no frequency). This variant has not been reported in the literature in individuals affected with FANCA-related conditions. Advanced modeling of protein sequence and biophysical properties (such as structural, functional, and spatial information, amino acid conservation, physicochemical variation, residue mobility, and thermodynamic stability) performed at Invitae indicates that this missense variant is not expected to disrupt FANCA protein function. In summary, the available evidence is currently insufficient to determine the role of this variant in disease. Therefore, it has been classified as a Variant of Uncertain Significance.